The following is an entry in ClinVar:

NM_001375524.1(TRRAP):c.8951G>A (p.Arg2984Gln)

Gene: TRRAP (transformation/transcription domain associated protein; plus strand). Cytogenetic location: 7q22.1.
Variant type: single nucleotide variant.
Coding change: c.8951G>A on transcript NM_001375524.1 (MANE Select); coding-DNA position 8951, G replaced by A.
Protein change: p.Arg2984Gln; replaces arginine 2984 with glutamine.
Molecular consequence: missense variant.
Genome position (GRCh38, 1-based): chr7:98,983,388, G>A. VCF-style: chr7-98983388-G-A. GRCh37 (hg19) VCF-style: chr7-98581011-G-A.
Other names: c.8930G>A, p.Arg2977Gln (NM_001244580.2); c.8876G>A, p.Arg2959Gln (NM_003496.4); short protein forms R2959Q, R2977Q, R2984Q.
Identifiers: ClinVar variation 1312150 (VCV001312150.2), dbSNP rs1793017416, ClinGen allele CA368313873.
Genomic context (GRCh38, chr7:98,983,388, plus strand): 5'-ACCTGGGAAGGAACAACAGCCTGCACGACATGAAGACGGTGGTGAAGACCTGGAGGAACC[G>A]ACTGCCCATCGTGTCTGACGACTTGTCCCACTGGAGCAGCATCTTCATGTGGAGGCAGCA-3'
Protein context (NP_001362453.1, residues 2974-2994): MKTVVKTWRN[Arg2984Gln]LPIVSDDLSH

ClinVar aggregate classification (germline): Uncertain significance (1 of 4 stars; one submission).

Submission:

GeneDx
Classification: Uncertain significance. Last evaluated: 2020-01-31. Review status: criteria provided, single submitter. Criteria: GeneDx Variant Classification Process June 2021. Collection method: clinical testing. Allele origin: germline. Affected: yes.
Comment: Not observed in large population cohorts (Lek et al., 2016); In silico analysis supports that this missense variant has a deleterious effect on protein structure/function; Has not been previously published as pathogenic or benign to our knowledge